The following is an entry in ClinVar:

NM_000059.4(BRCA2):c.426-57A>G

Gene: BRCA2 (BRCA2 DNA repair associated; plus strand). Cytogenetic location: 13q13.1.
Variant type: single nucleotide variant.
Coding change: c.426-57A>G on transcript NM_000059.4 (MANE Select); 57 bases into the intron before coding-DNA position 426, A replaced by G.
Molecular consequence: intron variant.
Genome position (GRCh38, 1-based): chr13:32,326,044, A>G. VCF-style: chr13-32326044-A-G. GRCh37 (hg19) VCF-style: chr13-32900181-A-G.
Other names: IVS4-57A>G; c.426-57A>G (NM_001432077.1, NM_001406720.1, NM_001406719.1 and 1 more transcripts); c.57-57A>G (NM_001406722.1).
Identifiers: ClinVar variation 4073560 (VCV004073560.1).
Genomic context (GRCh38, chr13:32,326,044, plus strand): 5'-TCTAAAAGTAGTATTCCAACAATTTATATGAATGAGAATCTTCTTTTAAAAATAAGATAA[A>G]CTAGTTTTTGCCAGTTTTTTAAAATAACCTAAGGGATTTGCTTTGTTTTATTTTAGTCCT-3'

ClinVar aggregate classification (germline): Uncertain significance (1 of 4 stars; one submission).

Conditions:
Breast-ovarian cancer, familial, susceptibility to, 2 (BROVCA2). Also called: BRCA2 Hereditary Breast and Ovarian Cancer. Identifiers: Orphanet 145, MedGen C2675520, MONDO:0012933, OMIM 612555. Disease mechanism: loss of function.

gnomAD v4.1: 5 of 1,434,330 alleles (0.00035%); highest among the groups gnomAD compares: African/African-American, 0.0014%; no homozygotes.

Submission:

Dipartimento Di Medicina Di Precisione, Università Degli Studi Della Campania Luigi Vanvitelli
Classification: Uncertain significance for Breast-ovarian cancer, familial, susceptibility to, 2. Review status: criteria provided, single submitter. Criteria: ACMG Guidelines, 2015. Collection method: clinical testing. Allele origin: germline. Inheritance: Autosomal dominant inheritance. Affected: yes. Observed: 1 heterozygote.
Comment: Although located deep within intron 4 and not directly affecting canonical splice sites, the variant was not detected in 100 healthy controls analyzed by direct sequencing, suggesting it may be rare. To date, there is insufficient evidence to define its clinical significance, and the variant remains classified as a Variant of Uncertain Significance (VUS) pending further functional or segregation data.

Literature cited by the submitters: DOI 10.1515/cclm-2013-0263.